The following is an entry in ClinVar:

ClinVar aggregate classification (germline): Uncertain significance (1 of 4 stars; one submission).

Conditions:
Cardiovascular phenotype. Identifiers: MedGen CN230736.

Submission:

Ambry Genetics
Classification: Uncertain significance for Cardiovascular phenotype. Last evaluated: 2025-11-22. Review status: criteria provided, single submitter. Criteria: Ambry Variant Classification Scheme 2023. Collection method: clinical testing. Allele origin: germline.
Comment: The p.T249K variant (also known as c.746C>A), located in coding exon 4 of the JUP gene, results from a C to A substitution at nucleotide position 746. The threonine at codon 249 is replaced by lysine, an amino acid with similar properties. This amino acid position is conserved. In addition, this alteration is predicted to be deleterious by in silico analysis. Based on the available evidence, the clinical significance of this variant remains unclear.

NM_002230.4(JUP):c.746C>A (p.Thr249Lys)

Gene: JUP (junction plakoglobin; minus strand). Cytogenetic location: 17q21.2.
Variant type: single nucleotide variant.
Coding change: c.746C>A on transcript NM_002230.4 (MANE Select); coding-DNA position 746, C replaced by A.
Protein change: p.Thr249Lys; replaces threonine 249 with lysine.
Molecular consequence: missense variant.
Genome position (GRCh38, 1-based): chr17:41,767,542, G>T on the plus strand (C>A on the coding strand, the complement: JUP is on the minus strand). VCF-style: chr17-41767542-G-T. GRCh37 (hg19) VCF-style: chr17-39923794-G-T.
Other names: c.746C>A, p.Thr249Lys (NM_001352773.2, NM_001352774.2, NM_001352775.2 and 3 more transcripts); short protein forms T249K.
Identifiers: ClinVar variation 4614319 (VCV004614319.1).
Genomic context (GRCh38, chr17:41,767,542, plus strand): 5'-CCGTCGGCCAGGCGCACGGCCATCTTGGCGCCCTCCTGGTACAGGAGCAGGTTGTGCAGC[G>T]TGGTGATGGCATAGAACAGGACCGACTCCACAGGGGAGCTGGGGGGGTGGGCAGGGGTTA-3'
Protein context (NP_002221.1, residues 239-259): VESVLFYAIT[Thr249Lys]LHNLLLYQEG